The following is an entry in ClinVar:

NM_004638.4(PRRC2A):c.1062T>A (p.Gly354=)

Gene: PRRC2A (proline rich coiled-coil 2A; plus strand). Cytogenetic location: 6p21.33.
Variant type: single nucleotide variant.
Coding change: c.1062T>A on transcript NM_004638.4 (MANE Select); coding-DNA position 1062, T replaced by A.
Protein change: p.Gly354=; no amino-acid change (glycine 354 retained).
Molecular consequence: synonymous variant.
Genome position (GRCh38, 1-based): chr6:31,626,851, T>A. VCF-style: chr6-31626851-T-A. GRCh37 (hg19) VCF-style: chr6-31594628-T-A.
Other names: c.1062T>A, p.Gly354= (NM_080686.3).
Identifiers: ClinVar variation 3060526 (VCV003060526.2), dbSNP rs3130071, ClinGen allele CA3715281.
Genomic context (GRCh38, chr6:31,626,851, plus strand): 5'-CTACACTGAAAAGCTCAAGTTCAGCGATGAGGAAGATGGGCGAGACTCTGATGAGGAGGG[T>A]GCTGAGGGCCAGTGAGTTAGGGCCATCAGGGGAGAAGAGGAGGGGGTCTTGGTTTGTATT-3'
Protein context (NP_004629.3, residues 344-364): EEDGRDSDEE[Gly354=]AEGHRDSQSA

ClinVar aggregate classification (germline): Benign (0 of 4 stars; one submission).

Conditions:
PRRC2A-related disorder. Also called: PRRC2A-related condition.

Allele frequency attached by ClinVar (database versions not stated): gnomAD exomes 0.87762; ESP Exome Variant Server 0.90509; gnomAD 0.91386; ExAC 0.91902; TOPMed 0.92206; 1000 Genomes Project 30x 0.96580; 1000 Genomes Project 0.96625.

Submission:

PreventionGenetics, part of Exact Sciences
Classification: Benign for PRRC2A-related condition. Last evaluated: 2019-10-17. Review status: no assertion criteria provided. Collection method: clinical testing. Allele origin: germline.
Comment: This variant is classified as benign based on ACMG/AMP sequence variant interpretation guidelines (Richards et al. 2015 PMID: 25741868, with internal and published modifications).